The following is an entry in ClinVar:

NM_006118.4(HAX1):c.786T>A (p.Asp262Glu)

Gene: HAX1 (HCLS1 associated protein X-1; plus strand). Cytogenetic location: 1q21.3.
Variant type: single nucleotide variant.
Coding change: c.786T>A on transcript NM_006118.4 (MANE Select); coding-DNA position 786, T replaced by A.
Protein change: p.Asp262Glu; replaces aspartic acid 262 with glutamic acid.
Molecular consequence: missense variant.
Genome position (GRCh38, 1-based): chr1:154,275,647, T>A. VCF-style: chr1-154275647-T-A. GRCh37 (hg19) VCF-style: chr1-154248123-T-A.
Other names: c.642T>A, p.Asp214Glu (NM_001018837.2); short protein forms D262E, D214E.
Identifiers: ClinVar variation 3104398 (VCV003104398.2), dbSNP rs769565986, ClinGen allele CA342594091.
Genomic context (GRCh38, chr1:154,275,647, plus strand): 5'-CTATTTACGTGTATGACTTTCTTCCTTAGATCCAGAATCACCAAGACCTCCAGCCCTGGA[T>A]GATGCCTTTTCCATCCTGGACTTATTCCTGGGACGTTGGTTCCGGTCCCGGTAGCCTTGT-3'
Protein context (NP_006109.2, residues 252-272): DPESPRPPAL[Asp262Glu]DAFSILDLFL

ClinVar aggregate classification (germline): Uncertain significance (1 of 4 stars; one submission).

Conditions:
Inborn genetic diseases. Identifiers: MedGen C0950123, MeSH D030342.

Submission:

Ambry Genetics
Classification: Uncertain significance for Inborn genetic diseases. Last evaluated: 2026-06-09. Review status: criteria provided, single submitter. Criteria: Ambry Variant Classification Scheme 2023. Collection method: clinical testing. Allele origin: germline.
Comment: The p.D262E variant (also known as c.786T>A), located in coding exon 7 of the HAX1 gene, results from a T to A substitution at nucleotide position 786. The aspartic acid at codon 262 is replaced by glutamic acid, an amino acid with highly similar properties. This amino acid position is conserved. In addition, this alteration is predicted to be tolerated by in silico analysis. Based on the available evidence, the clinical significance of this variant remains unclear.